The following is an entry in ClinVar:

ClinVar aggregate classification (germline): Likely benign. Review status: criteria provided, multiple submitters, no conflicts (2 of 4 stars). 4 submissions from 4 submitters: Likely benign (3). 1 of the submissions does not count toward it. Last evaluated 2025-12-10.

Conditions:
KANK1-related disorder. Also called: KANK1-related condition.

Allele frequency attached by ClinVar (database versions not stated): gnomAD 0.00011 and 0.00014; gnomAD exomes 0.00015 and 0.00078; TOPMed 0.00038; ExAC 0.00059.
gnomAD v4.1: 228 of 1,613,854 alleles (0.014%); highest among the groups gnomAD compares: Admixed American, 0.37%; 1 homozygote.

Submissions (4):

Labcorp Genetics (formerly Invitae), Labcorp
Classification: Likely benign. Last evaluated: 2025-12-10. Review status: criteria provided, single submitter. Criteria: Invitae Variant Classification Sherloc (09022015). Collection method: clinical testing. Allele origin: germline.

Blueprint Genetics
Classification: Likely benign. Last evaluated: 2023-05-05. Review status: criteria provided, single submitter. Criteria: ACMG Guidelines, 2015. Collection method: clinical testing. Allele origin: germline.

GeneDx
Classification: Likely benign. Last evaluated: 2021-03-10. Review status: criteria provided, single submitter. Criteria: GeneDx Variant Classification Process June 2021. Collection method: clinical testing. Allele origin: germline. Affected: yes.
Comment: In silico analysis, which includes protein predictors and evolutionary conservation, supports that this variant does not alter protein structure/function; Has not been previously published as pathogenic or benign to our knowledge; Variants in candidate genes are classified as variants of uncertain significance in accordance with ACMG guidelines (Richards et al., 2015)

PreventionGenetics, part of Exact Sciences
Classification: Likely benign for KANK1-related condition. Last evaluated: 2019-08-13. Review status: no assertion criteria provided. Collection method: clinical testing. Allele origin: germline. Not counted in ClinVar's aggregate classification.
Comment: This variant is classified as likely benign based on ACMG/AMP sequence variant interpretation guidelines (Richards et al. 2015 PMID: 25741868, with internal and published modifications).

NM_015158.5(KANK1):c.2113A>G (p.Lys705Glu)

Gene: KANK1 (KN motif and ankyrin repeat domains 1; plus strand). Cytogenetic location: 9p24.3.
Variant type: single nucleotide variant.
Coding change: c.2113A>G on transcript NM_015158.5 (MANE Select); coding-DNA position 2113, A replaced by G.
Protein change: p.Lys705Glu; replaces lysine 705 with glutamic acid.
Molecular consequence: missense variant. On other transcripts: non-coding transcript variant (1).
Genome position (GRCh38, 1-based): chr9:712,879, A>G. VCF-style: chr9-712879-A-G. GRCh37 (hg19) VCF-style: chr9-712879-A-G.
Other names: c.2113A>G, p.Lys705Glu (NM_001256876.3, NM_001256877.3, NM_001354331.2 and 2 more transcripts); c.1639A>G, p.Lys547Glu (NM_001354333.2, NM_001354335.2, NM_001354336.2 and 9 more transcripts); short protein forms K705E, K547E.
Identifiers: ClinVar variation 751947 (VCV000751947.13), dbSNP rs748553284, ClinGen allele CA4960421.
Genomic context (GRCh38, chr9:712,879, plus strand): 5'-AACACCGAGACGGCCACCCTCATAGAGTCCTGCACCAACACTTGTCTAAGCACTTTGGAC[A>G]AGCAGACCAGCACCCAGACTGTGGAGACGCGGACAGTAGCTGTAGGAGAAGGCCGTGTCA-3'
Protein context (NP_055973.2, residues 695-715): CTNTCLSTLD[Lys705Glu]QTSTQTVETR